The following is an entry in ClinVar:

NM_006885.4(ZFHX3):c.6040C>T (p.Gln2014Ter)

Genes: ZFHX3 (zinc finger homeobox 3; minus strand), ZFHX3-AS1 (ZFHX3 antisense RNA 1; plus strand). Cytogenetic location: 16q22.2.
Variant type: single nucleotide variant.
Coding change: c.6040C>T on transcript NM_006885.4 (MANE Select); coding-DNA position 6040, C replaced by T.
Protein change: p.Gln2014Ter; replaces glutamine 2014 with a stop codon.
Molecular consequence: nonsense.
Genome position (GRCh38, 1-based): chr16:72,796,642, G>A on the plus strand (C>T on the coding strand, the complement: ZFHX3 is on the minus strand). VCF-style: chr16-72796642-G-A. GRCh37 (hg19) VCF-style: chr16-72830541-G-A.
Other names: c.3298C>T, p.Gln1100Ter (NM_001164766.2); c.6040C>T, p.Gln2014Ter (NM_001386735.1); short protein forms Q1100*, Q2014*.
Identifiers: ClinVar variation 1805351 (VCV001805351.1), dbSNP rs775876705, ClinGen allele CA396731357.

ClinVar aggregate classification (germline): Likely pathogenic (1 of 4 stars; one submission).

Conditions:
Neurodevelopmental disorder. Identifiers: MedGen C1535926, MeSH D065886, MONDO:0700092.

Submission:

Victorian Clinical Genetics Services, Murdoch Childrens Research Institute
Classification: Likely pathogenic for Neurodevelopmental disorder. Last evaluated: 2022-02-02. Review status: criteria provided, single submitter. Criteria: ACMG Guidelines, 2015. Collection method: clinical testing. Allele origin: germline. Inheritance: Autosomal dominant inheritance. Affected: yes.
Comment: Based on the classification scheme VCGS_Germline_v1.3.4, this variant is classified as Likely pathogenic. Following criteria are met: 0105 - The mechanism of disease for this gene is not clearly established. (I) 0107 - This gene is associated with autosomal dominant disease. Heterozygous germline variants have been identified in individuals with neurodevelopmental disorder (unpublished evidence obtained by personal communication). (I) 0201 - Variant is predicted to cause nonsense-mediated decay (NMD) and loss of protein (premature termination codon is located at least 54 nucleotides upstream of the final exon-exon junction). (SP) 0251 - This variant is heterozygous. (I) 0301 - Variant is absent from gnomAD (both v2 and v3). (SP) 0705 - No comparable null variants have previous evidence for pathogenicity. (I) 0803 - This variant has limited previous evidence of pathogenicity in unrelated individuals. This variant has been identified in one family with a known genetic multisystemic condition, with additional features of axonal neuropathy and recurrent hypoglycemia (VCGS). (SP) 0903 - This variant has limited evidence for segregation with disease. This variant has been shown to segregate in affected individuals in one family (VCGS). (SP) 1007 - No published functional evidence has been identified for this variant. (SP) Legend: (SP) - Supporting pathogenic, (I) - Information, (SB) - Supporting benign